The following is an entry in ClinVar:

ClinVar aggregate classification (germline): Uncertain significance. Review status: criteria provided, multiple submitters, no conflicts (2 of 4 stars). 2 submissions from 2 submitters: Uncertain significance (2). Last evaluated 2025-12-08.

Conditions:
Primary ciliary dyskinesia. Also called: Ciliary dyskinesia. Identifiers: Orphanet 244, MedGen C0008780, MONDO:0016575, HP:0012265.
Primary ciliary dyskinesia 23 (CILD23). Also called: CILIARY DYSKINESIA, PRIMARY, 23, WITH OR WITHOUT SITUS INVERSUS. Identifiers: Orphanet 244, MedGen C3809548, MONDO:0014193, OMIM 615451.

Allele frequency attached by ClinVar (database versions not stated): gnomAD exomes 0.00003 and 0.00006; ExAC 0.00007; ESP Exome Variant Server 0.00008; TOPMed 0.00010; gnomAD 0.00012 and 0.00014; 1000 Genomes Project 0.00020; 1000 Genomes Project 30x 0.00031.
gnomAD v4.1: 59 of 1,612,312 alleles (0.0037%); highest among the groups gnomAD compares: African/African-American, 0.048%; no homozygotes.

Submissions (2):

Labcorp Genetics (formerly Invitae), Labcorp
Classification: Uncertain significance for Primary ciliary dyskinesia 23. Last evaluated: 2025-12-08. Review status: criteria provided, single submitter. Criteria: Invitae Variant Classification Sherloc (09022015). Collection method: clinical testing. Allele origin: germline.
Comment: This sequence change replaces arginine, which is basic and polar, with cysteine, which is neutral and slightly polar, at codon 836 of the ARMC4 protein (p.Arg836Cys). This variant is present in population databases (rs369264618, gnomAD 0.07%). This variant has not been reported in the literature in individuals affected with ARMC4-related conditions. ClinVar contains an entry for this variant (Variation ID: 412245). An algorithm developed to predict the effect of missense changes on protein structure and function (PolyPhen-2) suggests that this variant is likely to be disruptive. In summary, the available evidence is currently insufficient to determine the role of this variant in disease. Therefore, it has been classified as a Variant of Uncertain Significance.

Ambry Genetics
Classification: Uncertain significance for Primary ciliary dyskinesia. Last evaluated: 2024-09-26. Review status: criteria provided, single submitter. Criteria: Ambry Variant Classification Scheme 2023. Collection method: clinical testing. Allele origin: germline.

NM_018076.5(ODAD2):c.2506C>T (p.Arg836Cys)

Gene: ODAD2 (outer dynein arm docking complex subunit 2; minus strand). Cytogenetic location: 10p12.1.
Variant type: single nucleotide variant.
Coding change: c.2506C>T on transcript NM_018076.5 (MANE Select); coding-DNA position 2506, C replaced by T.
Protein change: p.Arg836Cys; replaces arginine 836 with cysteine.
Molecular consequence: missense variant.
Genome position (GRCh38, 1-based): chr10:27,907,767, G>A on the plus strand (C>T on the coding strand, the complement: ODAD2 is on the minus strand). VCF-style: chr10-27907767-G-A. GRCh37 (hg19) VCF-style: chr10-28196696-G-A.
Other names: c.2506C>T, p.Arg836Cys (NM_001290020.2); c.1081C>T, p.Arg361Cys (NM_001290021.2); c.1582C>T, p.Arg528Cys (NM_001312689.2); short protein forms R836C, R361C, R528C.
Identifiers: ClinVar variation 412245 (VCV000412245.10), dbSNP rs369264618, ClinGen allele CA5453178.